The following is an entry in ClinVar:

ClinVar aggregate classification (germline): Uncertain significance. Review status: criteria provided, multiple submitters, no conflicts (2 of 4 stars). 2 submissions from 2 submitters: Uncertain significance (2). Last evaluated 2022-07-06.

gnomAD v4.1: 3 of 1,614,176 alleles (0.00019%); highest among the groups gnomAD compares: Non-Finnish European, 0.00025%; no homozygotes.

Submissions (2):

Labcorp Genetics (formerly Invitae), Labcorp
Classification: Uncertain significance. Last evaluated: 2022-07-06. Review status: criteria provided, single submitter. Criteria: Invitae Variant Classification Sherloc (09022015). Collection method: clinical testing. Allele origin: germline.
Comment: In summary, the available evidence is currently insufficient to determine the role of this variant in disease. Therefore, it has been classified as a Variant of Uncertain Significance. Algorithms developed to predict the effect of missense changes on protein structure and function (SIFT, PolyPhen-2, Align-GVGD) all suggest that this variant is likely to be tolerated. ClinVar contains an entry for this variant (Variation ID: 1056326). This variant has not been reported in the literature in individuals affected with RDH5-related conditions. This variant is not present in population databases (gnomAD no frequency). This sequence change replaces glutamine, which is neutral and polar, with lysine, which is basic and polar, at codon 249 of the RDH5 protein (p.Gln249Lys).

Breakthrough Genomics
Classification: Uncertain significance. Review status: criteria provided, single submitter. Criteria: ACMG Guidelines, 2015. Collection method: not provided. Allele origin: germline. Inheritance: Unknown mechanism. Affected: yes.

NM_002905.5(RDH5):c.745C>A (p.Gln249Lys)

Genes: BLOC1S1-RDH5 (BLOC1S1-RDH5 readthrough; plus strand), CD63 (CD63 molecule; minus strand), RDH5 (retinol dehydrogenase 5; plus strand). Cytogenetic location: 12q13.2.
Variant type: single nucleotide variant.
Coding change: c.745C>A on transcript NM_002905.5 (MANE Select); coding-DNA position 745, C replaced by A.
Protein change: p.Gln249Lys; replaces glutamine 249 with lysine.
Molecular consequence: missense variant. On other transcripts: non-coding transcript variant (1).
Genome position (GRCh38, 1-based): chr12:55,724,333, C>A. VCF-style: chr12-55724333-C-A. GRCh37 (hg19) VCF-style: chr12-56118117-C-A.
Other names: c.745C>A, p.Gln249Lys (NM_001199771.3); short protein forms Q249K.
Identifiers: ClinVar variation 1056326 (VCV001056326.10), dbSNP rs903282271, ClinGen allele CA237595171.